The following is an entry in ClinVar:

NM_002890.3(RASA1):c.587G>C (p.Arg196Thr)

Genes: CCNH (cyclin H; minus strand), RASA1 (RAS p21 protein activator 1; plus strand). Cytogenetic location: 5q14.3.
Variant type: single nucleotide variant.
Coding change: c.587G>C on transcript NM_002890.3 (MANE Select); coding-DNA position 587, G replaced by C.
Protein change: p.Arg196Thr; replaces arginine 196 with threonine.
Molecular consequence: missense variant. On other transcripts: intron variant (1).
Genome position (GRCh38, 1-based): chr5:87,331,395, G>C. VCF-style: chr5-87331395-G-C. GRCh37 (hg19) VCF-style: chr5-86627212-G-C.
Other names: c.56G>C, p.Arg19Thr (NM_022650.3); c.934-18600C>G (NM_001364075.2); short protein forms R19T, R196T.
Identifiers: ClinVar variation 3002021 (VCV003002021.3), dbSNP rs766738510, ClinGen allele CA360375358.

ClinVar aggregate classification (germline): Uncertain significance (1 of 4 stars; one submission).

Conditions:
Capillary malformation-arteriovenous malformation syndrome. Also called: Capillary malformation-arteriovenous malformation. Identifiers: Orphanet 137667, MedGen C1842180, MONDO:0012016.

gnomAD v4.1: 1 of 1,613,076 alleles (0.000062%); no homozygotes.

Submission:

Labcorp Genetics (formerly Invitae), Labcorp
Classification: Uncertain significance for Capillary malformation-arteriovenous malformation syndrome. Last evaluated: 2023-06-29. Review status: criteria provided, single submitter. Criteria: Invitae Variant Classification Sherloc (09022015). Collection method: clinical testing. Allele origin: germline.
Comment: In summary, the available evidence is currently insufficient to determine the role of this variant in disease. Therefore, it has been classified as a Variant of Uncertain Significance. An algorithm developed to predict the effect of missense changes on protein structure and function (PolyPhen-2) suggests that this variant is likely to be tolerated. This variant has not been reported in the literature in individuals affected with RASA1-related conditions. This variant is not present in population databases (gnomAD no frequency). This sequence change replaces arginine, which is basic and polar, with threonine, which is neutral and polar, at codon 196 of the RASA1 protein (p.Arg196Thr).